The following is an entry in ClinVar:

NM_015570.4(AUTS2):c.593A>C (p.His198Pro)

Gene: AUTS2 (activator of transcription and developmental regulator AUTS2; plus strand). Cytogenetic location: 7q11.22.
Variant type: single nucleotide variant.
Coding change: c.593A>C on transcript NM_015570.4 (MANE Select); coding-DNA position 593, A replaced by C.
Protein change: p.His198Pro; replaces histidine 198 with proline.
Molecular consequence: missense variant.
Genome position (GRCh38, 1-based): chr7:70,118,202, A>C. VCF-style: chr7-70118202-A-C. GRCh37 (hg19) VCF-style: chr7-69583188-A-C.
Other names: c.593A>C, p.His198Pro (NM_001127231.3, NM_001127232.3); short protein forms H198P.
Identifiers: ClinVar variation 3730769 (VCV003730769.2).

ClinVar aggregate classification (germline): Uncertain significance (1 of 4 stars; one submission).

Submission:

Labcorp Genetics (formerly Invitae), Labcorp
Classification: Uncertain significance. Last evaluated: 2024-09-15. Review status: criteria provided, single submitter. Criteria: Invitae Variant Classification Sherloc (09022015). Collection method: clinical testing. Allele origin: germline.
Comment: This sequence change replaces histidine, which is basic and polar, with proline, which is neutral and non-polar, at codon 198 of the AUTS2 protein (p.His198Pro). This variant is not present in population databases (gnomAD no frequency). This variant has not been reported in the literature in individuals affected with AUTS2-related conditions. An algorithm developed to predict the effect of missense changes on protein structure and function (PolyPhen-2) suggests that this variant is likely to be tolerated. In summary, the available evidence is currently insufficient to determine the role of this variant in disease. Therefore, it has been classified as a Variant of Uncertain Significance.